The following is an entry in ClinVar:

ClinVar aggregate classification (germline): Uncertain significance. Review status: criteria provided, multiple submitters, no conflicts (2 of 4 stars). 2 submissions from 2 submitters: Uncertain significance (2). Last evaluated 2025-08-15.

Conditions:
Hereditary diffuse gastric adenocarcinoma (HDGC). Also called: DIFFUSE GASTRIC AND LOBULAR BREAST CANCER SYNDROME. Identifiers: Orphanet 26106, MedGen C1708349, MONDO:0007648, OMIM 137215.
Hereditary cancer-predisposing syndrome. Also called: Neoplastic Syndromes, Hereditary; Hereditary neoplastic syndrome; Tumor predisposition; Hereditary Cancer Syndrome. Identifiers: Orphanet 140162, MedGen C0027672, MeSH D009386, MONDO:0015356.

Submissions (2):

Ambry Genetics
Classification: Uncertain significance for Hereditary cancer-predisposing syndrome. Last evaluated: 2025-08-15. Review status: criteria provided, single submitter. Criteria: Ambry Variant Classification Scheme 2023. Collection method: clinical testing. Allele origin: germline.
Comment: The p.D291G variant (also known as c.872A>G), located in coding exon 7 of the CDH1 gene, results from an A to G substitution at nucleotide position 872. The aspartic acid at codon 291 is replaced by glycine, an amino acid with similar properties. This amino acid position is conserved. In addition, the in silico prediction for this alteration is inconclusive. Based on the available evidence, the clinical significance of this variant remains unclear.

Labcorp Genetics (formerly Invitae), Labcorp
Classification: Uncertain significance for Hereditary diffuse gastric adenocarcinoma. Last evaluated: 2024-05-16. Review status: criteria provided, single submitter. Criteria: Invitae Variant Classification Sherloc (09022015). Collection method: clinical testing. Allele origin: germline.
Comment: This sequence change replaces aspartic acid, which is acidic and polar, with glycine, which is neutral and non-polar, at codon 291 of the CDH1 protein (p.Asp291Gly). This variant is not present in population databases (gnomAD no frequency). This variant has not been reported in the literature in individuals affected with CDH1-related conditions. An algorithm developed to predict the effect of missense changes on protein structure and function (PolyPhen-2) suggests that this variant is likely to be disruptive. In summary, the available evidence is currently insufficient to determine the role of this variant in disease. Therefore, it has been classified as a Variant of Uncertain Significance.

NM_004360.5(CDH1):c.872A>G (p.Asp291Gly)

Gene: CDH1 (cadherin 1; plus strand). Cytogenetic location: 16q22.1.
Variant type: single nucleotide variant.
Coding change: c.872A>G on transcript NM_004360.5 (MANE Select); coding-DNA position 872, A replaced by G.
Protein change: p.Asp291Gly; replaces aspartic acid 291 with glycine.
Molecular consequence: missense variant. On other transcripts: 5 prime UTR variant (2).
Genome position (GRCh38, 1-based): chr16:68,811,723, A>G. VCF-style: chr16-68811723-A-G. GRCh37 (hg19) VCF-style: chr16-68845626-A-G.
Other names: c.872A>G, p.Asp291Gly (NM_001317184.2); c.-744A>G (NM_001317185.2); c.-948A>G (NM_001317186.2); short protein forms D291G.
Identifiers: ClinVar variation 3653559 (VCV003653559.3).